The following is an entry in ClinVar:

NM_005228.5(EGFR):c.2304C>T (p.Ser768=)

Genes: EGFR (epidermal growth factor receptor; plus strand), EGFR-AS1 (EGFR antisense RNA 1; minus strand). Cytogenetic location: 7p11.2.
Variant type: single nucleotide variant.
Coding change: c.2304C>T on transcript NM_005228.5 (MANE Select); coding-DNA position 2304, C replaced by T.
Protein change: p.Ser768=; no amino-acid change (serine 768 retained).
Molecular consequence: synonymous variant. On other transcripts: non-coding transcript variant (1).
Genome position (GRCh38, 1-based): chr7:55,181,313, C>T. VCF-style: chr7-55181313-C-T. GRCh37 (hg19) VCF-style: chr7-55249006-C-T.
Other names: c.2304C>T (NM_005228.4, NM_005228.3); c.2169C>T, p.Ser723= (NM_001346897.2, NM_001346899.2); c.2304C>T, p.Ser768= (NM_001346898.2); c.2145C>T, p.Ser715= (NM_001346900.2); c.1503C>T, p.Ser501= (NM_001346941.2).
Identifiers: ClinVar variation 1158177 (VCV001158177.14), dbSNP rs778199483, ClinGen allele CA4266051.

ClinVar aggregate classification (germline): Benign/Likely benign. Review status: criteria provided, multiple submitters, no conflicts (2 of 4 stars). 5 submissions from 5 submitters: Benign (2); Likely benign (2). 1 of the submissions does not count toward it. Last evaluated 2026-01-19.

Conditions:
Hereditary cancer-predisposing syndrome. Also called: Tumor predisposition; Neoplastic Syndromes, Hereditary; Hereditary Cancer Syndrome; Hereditary neoplastic syndrome. Identifiers: Orphanet 140162, MedGen C0027672, MeSH D009386, MONDO:0015356.
Lung cancer. Also called: Lung cancer, somatic; Malignant tumor of lung. Identifiers: MedGen C0242379, MONDO:0008903, OMIM 211980.
EGFR-related lung cancer (EGFR). Identifiers: MedGen CN130014.
EGFR-related disorder. Also called: EGFR-related condition.

Allele frequency attached by ClinVar (database versions not stated): gnomAD exomes 0.00002 and 0.00005; ExAC 0.00003; TOPMed 0.00008; gnomAD 0.00009.
gnomAD v4.1: 39 of 1,614,082 alleles (0.0024%); highest among the groups gnomAD compares: Admixed American, 0.032%; 1 homozygote.

Submissions (5):

Labcorp Genetics (formerly Invitae), Labcorp
Classification: Likely benign for EGFR-related lung cancer. Last evaluated: 2026-01-19. Review status: criteria provided, single submitter. Criteria: Invitae Variant Classification Sherloc (09022015). Collection method: clinical testing. Allele origin: germline.

Myriad Genetics, Inc.
Classification: Benign for Lung cancer. Last evaluated: 2024-10-16. Review status: criteria provided, single submitter. Criteria: Myriad Autosomal Dominant, Autosomal Recessive and X-Linked Classification Criteria (2023). Collection method: clinical testing. Allele origin: unknown.
Comment: This variant is considered benign. This variant is a silent/synonymous amino acid change and it is not expected to impact splicing.

Ambry Genetics
Classification: Likely benign for Hereditary cancer-predisposing syndrome. Last evaluated: 2023-12-22. Review status: criteria provided, single submitter. Criteria: Ambry Variant Classification Scheme 2023. Collection method: clinical testing. Allele origin: germline.

Quest Diagnostics Nichols Institute San Juan Capistrano
Classification: Benign. Last evaluated: 2023-04-27. Review status: criteria provided, single submitter. Criteria: Quest Diagnostics criteria. Collection method: clinical testing. Allele origin: unknown.

PreventionGenetics, part of Exact Sciences
Classification: Likely benign for EGFR-related condition. Last evaluated: 2023-07-10. Review status: no assertion criteria provided. Collection method: clinical testing. Allele origin: germline. Not counted in ClinVar's aggregate classification.
Comment: This variant is classified as likely benign based on ACMG/AMP sequence variant interpretation guidelines (Richards et al. 2015 PMID: 25741868, with internal and published modifications).